The following is an entry in ClinVar:

NM_014423.4(AFF4):c.2446G>T (p.Ala816Ser)

Gene: AFF4 (ALF transcription elongation factor 4; minus strand). Cytogenetic location: 5q31.1.
Variant type: single nucleotide variant.
Coding change: c.2446G>T on transcript NM_014423.4 (MANE Select); coding-DNA position 2446, G replaced by T.
Protein change: p.Ala816Ser; replaces alanine 816 with serine.
Molecular consequence: missense variant.
Genome position (GRCh38, 1-based): chr5:132,892,355, C>A on the plus strand (G>T on the coding strand, the complement: AFF4 is on the minus strand). VCF-style: chr5-132892355-C-A. GRCh37 (hg19) VCF-style: chr5-132228047-C-A.
Other names: short protein forms A816S.
Identifiers: ClinVar variation 3345351 (VCV003345351.1).
Genomic context (GRCh38, chr5:132,892,355, plus strand): 5'-TAATAGTCCTCTTCCGAGAGCCATGCTCTGTTTTTGGATCTTTTGAAGGAACAGGCCCAG[C>A]GGGAGAAGGCAACAAATCCTTTTCTTTTGCAGCACTCTGCTTAGATGACCTGCCAAACCA-3'
Protein context (NP_055238.1, residues 806-826): AKEKDLLPSP[Ala816Ser]GPVPSKDPKT

ClinVar aggregate classification (germline): Uncertain significance (0 of 4 stars; one submission).

Conditions:
AFF4-related disorder. Also called: AFF4-related condition.

gnomAD v4.1: 2 of 1,613,890 alleles (0.00012%); highest among the groups gnomAD compares: Non-Finnish European, 0.00017%; no homozygotes.

Submission:

PreventionGenetics, part of Exact Sciences
Classification: Uncertain significance for AFF4-related condition. Last evaluated: 2024-09-10. Review status: no assertion criteria provided. Collection method: clinical testing. Allele origin: germline.
Comment: The AFF4 c.2446G>T variant is predicted to result in the amino acid substitution p.Ala816Ser. To our knowledge, this variant has not been reported in the literature or in a large population database, indicating this variant is rare. At this time, the clinical significance of this variant is uncertain due to the absence of conclusive functional and genetic evidence.